The following is an entry in ClinVar:

ClinVar aggregate classification (germline): Uncertain significance (1 of 4 stars; one submission).

Allele frequency attached by ClinVar (database versions not stated): ExAC 0.00007; gnomAD 0.00001; TOPMed 0.00004.
gnomAD v4.1: 24 of 1,586,488 alleles (0.0015%); highest among the groups gnomAD compares: East Asian, 0.028%; no homozygotes.

Submission:

Labcorp Genetics (formerly Invitae), Labcorp
Classification: Uncertain significance. Last evaluated: 2026-01-06. Review status: criteria provided, single submitter. Criteria: Invitae Variant Classification Sherloc (09022015). Collection method: clinical testing. Allele origin: germline.
Comment: This sequence change replaces valine, which is neutral and non-polar, with methionine, which is neutral and non-polar, at codon 432 of the MKL1 protein (p.Val432Met). This variant is present in population databases (rs751959727, gnomAD 0.05%). This variant has not been reported in the literature in individuals affected with MKL1-related conditions. ClinVar contains an entry for this variant (Variation ID: 2741685). An algorithm developed to predict the effect of missense changes on protein structure and function (PolyPhen-2) suggests that this variant is likely to be tolerated. In summary, the available evidence is currently insufficient to determine the role of this variant in disease. Therefore, it has been classified as a Variant of Uncertain Significance.

NM_020831.6(MRTFA):c.1594G>A (p.Val532Met)

Gene: MRTFA (myocardin related transcription factor A; minus strand). Cytogenetic location: 22q13.1.
Variant type: single nucleotide variant.
Coding change: c.1594G>A on transcript NM_020831.6 (MANE Select); coding-DNA position 1594, G replaced by A.
Protein change: p.Val532Met; replaces valine 532 with methionine.
Molecular consequence: missense variant.
Genome position (GRCh38, 1-based): chr22:40,419,144, C>T on the plus strand (G>A on the coding strand, the complement: MRTFA is on the minus strand). VCF-style: chr22-40419144-C-T. GRCh37 (hg19) VCF-style: chr22-40815148-C-T.
Other names: c.1294G>A, p.Val432Met (NM_001282660.2); c.1444G>A, p.Val482Met (NM_001282661.3); c.1594G>A, p.Val532Met (NM_001282662.3); c.1399G>A, p.Val467Met (NM_001318139.2); short protein forms V432M, V467M, V532M, V482M.
Identifiers: ClinVar variation 2741685 (VCV002741685.3), dbSNP rs751959727, ClinGen allele CA10249637.